The following is an entry in ClinVar:

ClinVar aggregate classification (germline): Uncertain significance (1 of 4 stars; one submission).

gnomAD v4.1: 1 of 1,613,764 alleles (0.000062%); no homozygotes.

Submission:

Labcorp Genetics (formerly Invitae), Labcorp
Classification: Uncertain significance. Last evaluated: 2021-04-12. Review status: criteria provided, single submitter. Criteria: Invitae Variant Classification Sherloc (09022015). Collection method: clinical testing. Allele origin: germline.
Comment: This sequence change replaces glutamic acid with glutamine at codon 837 of the NEFH protein (p.Glu837Gln). The glutamic acid residue is highly conserved and there is a small physicochemical difference between glutamic acid and glutamine. This variant is not present in population databases (ExAC no frequency). This variant has not been reported in the literature in individuals with NEFH-related conditions. In summary, the available evidence is currently insufficient to determine the role of this variant in disease. Therefore, it has been classified as a Variant of Uncertain Significance. Advanced modeling of protein sequence and biophysical properties (such as structural, functional, and spatial information, amino acid conservation, physicochemical variation, residue mobility, and thermodynamic stability) performed at Invitae indicates that this missense variant is not expected to disrupt NEFH protein function.

NM_021076.4(NEFH):c.2509G>C (p.Glu837Gln)

Gene: NEFH (neurofilament heavy chain; plus strand). Cytogenetic location: 22q12.2.
Variant type: single nucleotide variant.
Coding change: c.2509G>C on transcript NM_021076.4 (MANE Select); coding-DNA position 2509, G replaced by C.
Protein change: p.Glu837Gln; replaces glutamic acid 837 with glutamine.
Molecular consequence: missense variant.
Genome position (GRCh38, 1-based): chr22:29,490,149, G>C. VCF-style: chr22-29490149-G-C. GRCh37 (hg19) VCF-style: chr22-29886138-G-C.
Other names: short protein forms E837Q.
Identifiers: ClinVar variation 1525733 (VCV001525733.8), dbSNP rs2146401298, ClinGen allele CA411137878.
Genomic context (GRCh38, chr22:29,490,149, plus strand): 5'-AAGGAAGAGGTGAAGTCCCCAGTGAAGGAGGAGGAGAAGCCCCAGGAGGTGAAAGTCAAA[G>C]AGCCCCCAAAGAAGGCAGAGGAAGAGAAAGCCCCTGCCACACCAAAAACAGAGGAGAAGA-3'
Protein context (NP_066554.2, residues 827-847): EEKPQEVKVK[Glu837Gln]PPKKAEEEKA